The following is an entry in ClinVar:

NM_000142.5(FGFR3):c.68A>G (p.Glu23Gly)

Gene: FGFR3 (fibroblast growth factor receptor 3; plus strand). Cytogenetic location: 4p16.3.
Variant type: single nucleotide variant.
Coding change: c.68A>G on transcript NM_000142.5 (MANE Select); coding-DNA position 68, A replaced by G.
Protein change: p.Glu23Gly; replaces glutamic acid 23 with glycine.
Molecular consequence: missense variant. On other transcripts: non-coding transcript variant (1).
Genome position (GRCh38, 1-based): chr4:1,794,002, A>G. VCF-style: chr4-1794002-A-G. GRCh37 (hg19) VCF-style: chr4-1795729-A-G.
Other names: c.68A>G, p.Glu23Gly (NM_022965.4, NM_001163213.2, NM_001354809.2 and 1 more transcripts); short protein forms E23G.
Identifiers: ClinVar variation 4536359 (VCV004536359.1).

ClinVar aggregate classification (germline): Uncertain significance (1 of 4 stars; one submission).

gnomAD v4.1: 2 of 1,399,826 alleles (0.00014%); highest among the groups gnomAD compares: South Asian, 0.0016%; no homozygotes.

Submission:

GeneDx
Classification: Uncertain significance. Last evaluated: 2025-06-03. Review status: criteria provided, single submitter. Criteria: GeneDx Variant Classification Process June 2021. Collection method: clinical testing. Allele origin: germline. Affected: yes.
Comment: Not observed at significant frequency in large population cohorts (gnomAD); In silico analysis suggests that this missense variant does not alter protein structure/function; Has not been previously published as pathogenic or benign to our knowledge